The following is an entry in ClinVar:

ClinVar aggregate classification (germline): not provided (0 of 4 stars; one submission).

Allele frequency attached by ClinVar (database versions not stated): gnomAD 0.00001; ESP Exome Variant Server 0.00008; TOPMed 0.00002 and 0.00005.
gnomAD v4.1: 1 of 1,610,160 alleles (0.000062%); highest among the groups gnomAD compares: African/African-American, 0.0013%; no homozygotes.

Submission:

Laboratory for Molecular Medicine, Mass General Brigham Personalized Medicine
No classification provided. Last evaluated: 2013-10-31. Review status: no classification provided. Collection method: clinical testing. Allele origin: germline. Observed: 1 variant allele.
Comment: -41A>T in the 5' UTR of SGCD: This variant is not expected to have clinical significance because it does not alter an amino acid residue and is not located within the splice consensus sequence. It has been identified in 1/3840 African American chromosomes

NM_000337.6(SGCD):c.-41A>T

Gene: SGCD (sarcoglycan delta; plus strand). Cytogenetic location: 5q33.3.
Variant type: single nucleotide variant.
Coding change: c.-41A>T on transcript NM_000337.6 (MANE Select); 41 bases upstream of the start codon, A replaced by T.
Molecular consequence: 5 prime UTR variant. On other transcripts: intron variant (1).
Genome position (GRCh38, 1-based): chr5:156,329,536, A>T. VCF-style: chr5-156329536-A-T. GRCh37 (hg19) VCF-style: chr5-155756546-A-T.
Other names: c.-41A>T (NM_172244.3); c.-1+2304A>T (NM_001128209.2).
Identifiers: ClinVar variation 165227 (VCV000165227.4), dbSNP rs369889635, ClinGen allele CA177975.